The following is an entry in ClinVar:

ClinVar aggregate classification (germline): Uncertain significance (1 of 4 stars; one submission).

gnomAD v4.1: 1 of 1,612,724 alleles (0.000062%); highest among the groups gnomAD compares: South Asian, 0.0011%; no homozygotes.

Submission:

Ambry Genetics
Classification: Uncertain significance. Last evaluated: 2024-09-09. Review status: criteria provided, single submitter. Criteria: Ambry Variant Classification Scheme 2023. Collection method: clinical testing. Allele origin: germline.
Comment: The p.G1836R variant (also known as c.5506G>A), located in coding exon 6 of the ALPK2 gene, results from a G to A substitution at nucleotide position 5506. The glycine at codon 1836 is replaced by arginine, an amino acid with dissimilar properties. This amino acid position is conserved. In addition, the in silico prediction for this alteration is inconclusive. Based on the available evidence, the clinical significance of this variant remains unclear.

NM_052947.4(ALPK2):c.5506G>A (p.Gly1836Arg)

Gene: ALPK2 (alpha kinase 2; minus strand). Cytogenetic location: 18q21.31.
Variant type: single nucleotide variant.
Coding change: c.5506G>A on transcript NM_052947.4 (MANE Select); coding-DNA position 5506, G replaced by A.
Protein change: p.Gly1836Arg; replaces glycine 1836 with arginine.
Molecular consequence: missense variant.
Genome position (GRCh38, 1-based): chr18:58,524,058, C>T on the plus strand (G>A on the coding strand, the complement: ALPK2 is on the minus strand). VCF-style: chr18-58524058-C-T. GRCh37 (hg19) VCF-style: chr18-56191290-C-T.
Other names: short protein forms G1836R.
Identifiers: ClinVar variation 3531459 (VCV003531459.1).